The following is an entry in ClinVar:

NM_015046.7(SETX):c.3491G>A (p.Arg1164Gln)

Gene: SETX (senataxin; minus strand). Cytogenetic location: 9q34.13.
Variant type: single nucleotide variant.
Coding change: c.3491G>A on transcript NM_015046.7 (MANE Select); coding-DNA position 3491, G replaced by A.
Protein change: p.Arg1164Gln; replaces arginine 1164 with glutamine.
Molecular consequence: missense variant.
Genome position (GRCh38, 1-based): chr9:132,328,107, C>T on the plus strand (G>A on the coding strand, the complement: SETX is on the minus strand). VCF-style: chr9-132328107-C-T. GRCh37 (hg19) VCF-style: chr9-135203494-C-T.
Other names: c.3491G>A, p.Arg1164Gln (NM_001351527.2, NM_001351528.2); short protein forms R1164Q.
Identifiers: ClinVar variation 2634966 (VCV002634966.6), dbSNP rs369264209, ClinGen allele CA5297393.

ClinVar aggregate classification (germline): Conflicting classifications of pathogenicity. Review status: criteria provided, conflicting classifications (1 of 4 stars). 3 submissions from 3 submitters: Uncertain significance (2); Benign (1). Last evaluated 2025-11-06.

Conditions:
SETX-related disorder. Also called: SETX-related condition; SETX-related disorders. Identifiers: MedGen CN239403.
Spinocerebellar ataxia, autosomal recessive, with axonal neuropathy 2 (SCAN2). Also called: Ataxia-ocular apraxia-2; Ataxia with Oculomotor Apraxia; ATAXIA-OCULOMOTOR APRAXIA 2; Ataxia with Oculomotor Apraxia Type 2. Identifiers: Orphanet 64753, MedGen C1853761, MONDO:0018996, OMIM 606002.
Amyotrophic lateral sclerosis type 4 (ALS4). Also called: AMYOTROPHIC LATERAL SCLEROSIS 4, JUVENILE; NEURONOPATHY, DISTAL HEREDITARY MOTOR, WITH PYRAMIDAL FEATURES. Identifiers: Orphanet 357043, MedGen C1865409, MONDO:0011223, OMIM 602433.

Allele frequency attached by ClinVar (database versions not stated): ExAC 0.00002; ESP Exome Variant Server 0.00008; gnomAD 0.00009; TOPMed 0.00026.
gnomAD v4.1: 55 of 1,613,796 alleles (0.0034%); highest among the groups gnomAD compares: Admixed American, 0.023%; no homozygotes.

Submissions (3):

Labcorp Genetics (formerly Invitae), Labcorp
Classification: Benign for Amyotrophic lateral sclerosis type 4; Spinocerebellar ataxia, autosomal recessive, with axonal neuropathy 2. Last evaluated: 2025-11-06. Review status: criteria provided, single submitter. Criteria: Invitae Variant Classification Sherloc (09022015). Collection method: clinical testing. Allele origin: germline.

PreventionGenetics, part of Exact Sciences
Classification: Uncertain significance for SETX-related condition. Last evaluated: 2025-06-23. Review status: criteria provided, single submitter. Criteria: ACMG Guidelines, 2015. Collection method: clinical testing. Allele origin: germline.
Comment: The SETX c.3491G>A variant is predicted to result in the amino acid substitution p.Arg1164Gln. To our knowledge, this variant has not been reported in the literature. This variant is reported in 0.014% of alleles in individuals of Latino descent in gnomAD. At this time, the clinical significance of this variant is uncertain due to the absence of conclusive functional and genetic evidence.

GeneDx
Classification: Uncertain significance. Last evaluated: 2023-11-20. Review status: criteria provided, single submitter. Criteria: GeneDx Variant Classification Process June 2021. Collection method: clinical testing. Allele origin: germline. Affected: yes.
Comment: In silico analysis supports that this missense variant does not alter protein structure/function; Has not been previously published as pathogenic or benign to our knowledge